The following is an entry in ClinVar:

ClinVar aggregate classification (germline): Uncertain significance (1 of 4 stars; one submission).

Submission:

GeneDx
Classification: Uncertain significance. Last evaluated: 2022-11-18. Review status: criteria provided, single submitter. Criteria: GeneDx Variant Classification Process June 2021. Collection method: clinical testing. Allele origin: germline. Affected: yes.
Comment: Not observed at significant frequency in large population cohorts (gnomAD); Affects a glycine residue in a Gly-X-Y motif in the triple helical region of the COL4A2 gene; In silico analysis supports that this missense variant has a deleterious effect on protein structure/function; Has not been previously published as pathogenic or benign to our knowledge

NM_001846.4(COL4A2):c.941G>T (p.Gly314Val)

Gene: COL4A2 (collagen type IV alpha 2 chain; plus strand). Cytogenetic location: 13q34.
Variant type: single nucleotide variant.
Coding change: c.941G>T on transcript NM_001846.4 (MANE Select); coding-DNA position 941, G replaced by T.
Protein change: p.Gly314Val; replaces glycine 314 with valine.
Molecular consequence: missense variant.
Genome position (GRCh38, 1-based): chr13:110,439,817, G>T. VCF-style: chr13-110439817-G-T. GRCh37 (hg19) VCF-style: chr13-111092164-G-T.
Other names: short protein forms G314V.
Identifiers: ClinVar variation 2502752 (VCV002502752.1), dbSNP rs2502076738, ClinGen allele CA388732742.
Genomic context (GRCh38, chr13:110,439,817, plus strand): 5'-AGCTGTTTGCTTCTGTTTTTTGTTCATTCCAGGGTTACCCTGGCTTGAGTGGTGAAAAAG[G>T]ATCACCAGGACAGAAGGTAAGTTGGATGCATGAACTGCAGTCTGCTCTGGGCCCACGACA-3'
Protein context (NP_001837.2, residues 304-324): RGYPGLSGEK[Gly314Val]SPGQKGSRGL